The following is an entry in ClinVar:

NM_001012426.2(FOXP4):c.2027G>A (p.Gly676Glu)

Gene: FOXP4 (forkhead box P4; plus strand). Cytogenetic location: 6p21.1.
Variant type: single nucleotide variant.
Coding change: c.2027G>A on transcript NM_001012426.2 (MANE Select); coding-DNA position 2027, G replaced by A.
Protein change: p.Gly676Glu; replaces glycine 676 with glutamic acid.
Molecular consequence: missense variant.
Genome position (GRCh38, 1-based): chr6:41,598,920, G>A. VCF-style: chr6-41598920-G-A. GRCh37 (hg19) VCF-style: chr6-41566658-G-A.
Other names: c.2021G>A, p.Gly674Glu (NM_001012427.2); c.1991G>A, p.Gly664Glu (NM_001405824.1); c.1931G>A, p.Gly644Glu (NM_001405825.1); c.1895G>A, p.Gly632Glu (NM_001405826.1); c.1988G>A, p.Gly663Glu (NM_138457.3); short protein forms G632E, G644E, G663E, G664E, G674E, G676E.
Identifiers: ClinVar variation 4976092 (VCV004976092.1).
Genomic context (GRCh38, chr6:41,598,920, plus strand): 5'-CCCCTAACCCCAGCGCCTCGGGGCCTCCGGAAGACAGGGACCTGGAGGAGGAGCTGCCGG[G>A]AGAAGAACTGTCCTAAGGGCCTGTAGTGACCGGCAGGGCTGGGGTGAGACCCCTCCCTTC-3'
Protein context (NP_001012426.1, residues 666-680): EDRDLEEELP[Gly676Glu]EELS

ClinVar aggregate classification (germline): Uncertain significance (1 of 4 stars; one submission).

Submission:

GeneDx
Classification: Uncertain significance. Last evaluated: 2026-02-10. Review status: criteria provided, single submitter. Criteria: GeneDx Variant Classification Process June 2021. Collection method: clinical testing. Allele origin: germline.
Comment: Not observed at significant frequency in large population cohorts (gnomAD); In silico analysis suggests that this missense variant does not alter protein structure/function; Has not been previously published as pathogenic or benign to our knowledge